The following is an entry in ClinVar:

ClinVar aggregate classification (germline): Uncertain significance (1 of 4 stars; one submission).

Submission:

Labcorp Genetics (formerly Invitae), Labcorp
Classification: Uncertain significance. Last evaluated: 2025-09-21. Review status: criteria provided, single submitter. Criteria: Invitae Variant Classification Sherloc (09022015). Collection method: clinical testing. Allele origin: germline.
Comment: This sequence change creates a premature translational stop signal (p.Gly15Alafs*3) in the MRPS16 gene. It is expected to result in an absent or disrupted protein product. However, the current clinical and genetic evidence is not sufficient to establish whether loss-of-function variants in MRPS16 cause disease. This variant is not present in population databases (gnomAD no frequency). This variant has not been reported in the literature in individuals affected with MRPS16-related conditions. In summary, the available evidence is currently insufficient to determine the role of this variant in disease. Therefore, it has been classified as a Variant of Uncertain Significance.

NM_016065.4(MRPS16):c.44del (p.Gly15fs)

Genes: DNAJC9-AS1 (DNAJC9 and MRPS16 antisense RNA 1; plus strand), MRPS16 (mitochondrial ribosomal protein S16; minus strand). Cytogenetic location: 10q22.2.
Variant type: Deletion.
Coding change: c.44del on transcript NM_016065.4 (MANE Select); coding-DNA position 44, one base deleted (G; older notation c.44delG).
Protein change: p.Gly15fs; shifts the reading frame from glycine 15.
Molecular consequence: frameshift variant.
Genome position (GRCh38, 1-based): chr10:73,251,993, C deleted on the plus strand (G on the coding strand, the reverse complement: MRPS16 is on the minus strand); the first of 5 consecutive C bases (chr10:73,251,993-73,251,997); deleting any one gives the same sequence. VCF-style (leftmost placement, unchanged base first): chr10-73251992-GC-G. GRCh37 (hg19) VCF-style: chr10-75011750-GC-G.
Other names: c.44del, p.Gly15fs (NM_001410935.1); short protein forms G15fs.
Identifiers: ClinVar variation 4777983 (VCV004777983.1).